The following is an entry in ClinVar:

ClinVar aggregate classification (germline): Uncertain significance (1 of 4 stars; one submission).

Conditions:
Muscular dystrophy-dystroglycanopathy (congenital with brain and eye anomalies), type a, 8 (MDDGA8). Also called: WALKER-WARBURG SYNDROME OR MUSCLE-EYE-BRAIN DISEASE, GTDC2-RELATED. Identifiers: Orphanet 899, MedGen C3553813, MONDO:0013904, OMIM 614830.

Allele frequency attached by ClinVar (database versions not stated): gnomAD 0.00002; gnomAD exomes 0.00003; ExAC 0.00006.
gnomAD v4.1: 43 of 1,613,906 alleles (0.0027%); highest among the groups gnomAD compares: South Asian, 0.047%; no homozygotes.

Submission:

Labcorp Genetics (formerly Invitae), Labcorp
Classification: Uncertain significance for Muscular dystrophy-dystroglycanopathy (congenital with brain and eye anomalies), type a, 8. Last evaluated: 2022-08-23. Review status: criteria provided, single submitter. Criteria: Invitae Variant Classification Sherloc (09022015). Collection method: clinical testing. Allele origin: germline.
Comment: In summary, the available evidence is currently insufficient to determine the role of this variant in disease. Therefore, it has been classified as a Variant of Uncertain Significance. Algorithms developed to predict the effect of missense changes on protein structure and function are either unavailable or do not agree on the potential impact of this missense change (SIFT: "Deleterious"; PolyPhen-2: "Benign"; Align-GVGD: "Class C15"). This variant has not been reported in the literature in individuals affected with POMGNT2-related conditions. This variant is present in population databases (rs762704173, gnomAD 0.05%). This sequence change replaces proline, which is neutral and non-polar, with leucine, which is neutral and non-polar, at codon 211 of the POMGNT2 protein (p.Pro211Leu).

NM_032806.6(POMGNT2):c.632C>T (p.Pro211Leu)

Gene: POMGNT2 (protein O-linked mannose N-acetylglucosaminyltransferase 2 (beta 1,4-); minus strand). Cytogenetic location: 3p22.1.
Variant type: single nucleotide variant.
Coding change: c.632C>T on transcript NM_032806.6 (MANE Select); coding-DNA position 632, C replaced by T.
Protein change: p.Pro211Leu; replaces proline 211 with leucine.
Molecular consequence: missense variant.
Genome position (GRCh38, 1-based): chr3:43,080,800, G>A on the plus strand (C>T on the coding strand, the complement: POMGNT2 is on the minus strand). VCF-style: chr3-43080800-G-A. GRCh37 (hg19) VCF-style: chr3-43122292-G-A.
Other names: short protein forms P211L.
Identifiers: ClinVar variation 2194003 (VCV002194003.4), dbSNP rs762704173, ClinGen allele CA2340021.
Genomic context (GRCh38, chr3:43,080,800, plus strand): 5'-TGGGAGAAGCACAGCAGCCGGCCCAGGGTCTTCAGCTGTGCCCGCAGGAGAGGCTGCTTG[G>A]GGCTGAGCAGCTTGTAGAGGTCGAAGTGTGCACCCTCGCCCCAGCCCTCCATGAAGAAGA-3'
Protein context (NP_116195.2, residues 201-221): AHFDLYKLLS[Pro211Leu]KQPLLRAQLK